The following is an entry in ClinVar:

NM_001080508.3(TBX18):c.1349C>T (p.Ala450Val)

Gene: TBX18 (T-box transcription factor 18; minus strand). Cytogenetic location: 6q14.3.
Variant type: single nucleotide variant.
Coding change: c.1349C>T on transcript NM_001080508.3 (MANE Select); coding-DNA position 1349, C replaced by T.
Protein change: p.Ala450Val; replaces alanine 450 with valine.
Molecular consequence: missense variant.
Genome position (GRCh38, 1-based): chr6:84,737,160, G>A on the plus strand (C>T on the coding strand, the complement: TBX18 is on the minus strand). VCF-style: chr6-84737160-G-A. GRCh37 (hg19) VCF-style: chr6-85446878-G-A.
Other names: short protein forms A450V.
Identifiers: ClinVar variation 4181230 (VCV004181230.2).

ClinVar aggregate classification (germline): Uncertain significance. Review status: criteria provided, multiple submitters, no conflicts (2 of 4 stars). 2 submissions from 2 submitters: Uncertain significance (2). Last evaluated 2025-08-25.

Conditions:
Inborn genetic diseases. Identifiers: MedGen C0950123, MeSH D030342.

gnomAD v4.1: 5 of 1,613,888 alleles (0.00031%); highest among the groups gnomAD compares: East Asian, 0.0022%; no homozygotes.

Submissions (2):

Ambry Genetics
Classification: Uncertain significance for Inborn genetic diseases. Last evaluated: 2025-08-25. Review status: criteria provided, single submitter. Criteria: Ambry Variant Classification Scheme 2023. Collection method: clinical testing. Allele origin: germline.

Labcorp Genetics (formerly Invitae), Labcorp
Classification: Uncertain significance. Last evaluated: 2025-08-24. Review status: criteria provided, single submitter. Criteria: Invitae Variant Classification Sherloc (09022015). Collection method: clinical testing. Allele origin: germline.
Comment: This sequence change replaces alanine, which is neutral and non-polar, with valine, which is neutral and non-polar, at codon 450 of the TBX18 protein (p.Ala450Val). This variant is present in population databases (rs753798713, gnomAD 0.006%). This variant has not been reported in the literature in individuals affected with TBX18-related conditions. Invitae Evidence Modeling of protein sequence and biophysical properties (such as structural, functional, and spatial information, amino acid conservation, physicochemical variation, residue mobility, and thermodynamic stability) indicates that this missense variant is not expected to disrupt TBX18 protein function with a negative predictive value of 80%. In summary, the available evidence is currently insufficient to determine the role of this variant in disease. Therefore, it has been classified as a Variant of Uncertain Significance.